The following is an entry in ClinVar:

NM_001292063.2(OTOG):c.6907C>T (p.Arg2303Cys)

Gene: OTOG (otogelin; plus strand). Cytogenetic location: 11p15.1.
Variant type: single nucleotide variant.
Coding change: c.6907C>T on transcript NM_001292063.2 (MANE Select); coding-DNA position 6907, C replaced by T.
Protein change: p.Arg2303Cys; replaces arginine 2303 with cysteine.
Molecular consequence: missense variant.
Genome position (GRCh38, 1-based): chr11:17,631,896, C>T. VCF-style: chr11-17631896-C-T. GRCh37 (hg19) VCF-style: chr11-17653443-C-T.
Other names: c.6943C>T, p.Arg2315Cys (NM_001277269.2); short protein forms R2315C, R2303C.
Identifiers: ClinVar variation 229099 (VCV000229099.20), dbSNP rs568549806, ClinGen allele CA5906075.

ClinVar aggregate classification (germline): Conflicting classifications of pathogenicity. Review status: criteria provided, conflicting classifications (1 of 4 stars). 6 submissions from 6 submitters: Uncertain significance (1); Likely benign (5). Last evaluated 2026-01-28.

Conditions:
OTOG-related disorder. Also called: OTOG-related condition.

Allele frequency attached by ClinVar (database versions not stated): 1000 Genomes Project 30x 0.00047; 1000 Genomes Project 0.00060; ExAC 0.00093; TOPMed 0.00099; gnomAD 0.00107 and 0.00109; gnomAD exomes 0.00110 and 0.00115.
gnomAD v4.1: 1,705 of 1,550,218 alleles (0.11%); highest among the groups gnomAD compares: Admixed American, 0.13%; 2 homozygotes.

Submissions (6):

Labcorp Genetics (formerly Invitae), Labcorp
Classification: Likely benign. Last evaluated: 2026-01-28. Review status: criteria provided, single submitter. Criteria: Invitae Variant Classification Sherloc (09022015). Collection method: clinical testing. Allele origin: germline.

CeGaT Center for Human Genetics Tuebingen
Classification: Likely benign. Last evaluated: 2025-12-01. Review status: criteria provided, single submitter. Criteria: CeGaT Center For Human Genetics Tuebingen Variant Classification Criteria Version 2. Collection method: clinical testing. Allele origin: germline. Affected: yes. Observed: 1 variant allele.
Comment: OTOG: BS1

PreventionGenetics, part of Exact Sciences
Classification: Likely benign for OTOG-related condition. Last evaluated: 2025-10-20. Review status: criteria provided, single submitter. Criteria: ACMG Guidelines, 2015. Collection method: clinical testing. Allele origin: germline.
Comment: This variant is classified as likely benign based on ACMG/AMP sequence variant interpretation guidelines (Richards et al. 2015 PMID: 25741868, with internal and published modifications).

Blueprint Genetics
Classification: Uncertain significance. Last evaluated: 2024-10-03. Review status: criteria provided, single submitter. Criteria: ACMG Guidelines, 2015. Collection method: clinical testing. Allele origin: germline.

GeneDx
Classification: Likely benign. Last evaluated: 2021-12-08. Review status: criteria provided, single submitter. Criteria: GeneDx Variant Classification Process June 2021. Collection method: clinical testing. Allele origin: germline. Affected: yes.
Comment: See Variant Classification Assertion Criteria.

Laboratory for Molecular Medicine, Mass General Brigham Personalized Medicine
Classification: Likely benign. Last evaluated: 2018-03-12. Review status: criteria provided, single submitter. Criteria: LMM Criteria. Collection method: clinical testing. Allele origin: germline. Inheritance: Autosomal recessive inheritance. Observed: 3 variant alleles.
Comment: p.Arg2315Cys in exon 40 of OTOG: This variant is classified as likely benign bec ause it has been identified in 0.3% (59/19838) of European Finnish chromosomes b y the Exome Aggregation Consortium (ExAC; dbSNP rs568549806). ACMG criteria applied: PP3; BS1